The following is an entry in ClinVar:

ClinVar aggregate classification (germline): Uncertain significance (1 of 4 stars; one submission).

Allele frequency attached by ClinVar (database versions not stated): gnomAD exomes below 0.00001.
gnomAD v4.1: 4 of 1,613,484 alleles (0.00025%); highest among the groups gnomAD compares: Non-Finnish European, 0.00034%; no homozygotes.

Submission:

GeneDx
Classification: Uncertain significance. Last evaluated: 2020-02-24. Review status: criteria provided, single submitter. Criteria: GeneDx Variant Classification Process June 2021. Collection method: clinical testing. Allele origin: germline. Affected: yes.
Comment: Not observed in large population cohorts (Lek et al., 2016); In silico analysis supports that this missense variant does not alter protein structure/function; Has not been previously published as pathogenic or benign to our knowledge; Variants in candidate genes are classified as variants of uncertain significance in accordance with ACMG guidelines (Richards et al., 2015)

NM_004973.4(JARID2):c.649A>G (p.Lys217Glu)

Gene: JARID2 (jumonji and AT-rich interaction domain containing 2; plus strand). Cytogenetic location: 6p22.3.
Variant type: single nucleotide variant.
Coding change: c.649A>G on transcript NM_004973.4 (MANE Select); coding-DNA position 649, A replaced by G.
Protein change: p.Lys217Glu; replaces lysine 217 with glutamic acid.
Molecular consequence: missense variant.
Genome position (GRCh38, 1-based): chr6:15,468,697, A>G. VCF-style: chr6-15468697-A-G. GRCh37 (hg19) VCF-style: chr6-15468928-A-G.
Other names: c.133A>G, p.Lys45Glu (NM_001267040.1); short protein forms K217E, K45E.
Identifiers: ClinVar variation 1315351 (VCV001315351.2), dbSNP rs2127675954, ClinGen allele CA362870251.